The following is an entry in ClinVar:

NM_001267550.2(TTN):c.4429G>C (p.Asp1477His)

Genes: TTN (titin; minus strand), LOC101927055 (uncharacterized LOC101927055; plus strand). Cytogenetic location: 2q31.2.
Variant type: single nucleotide variant.
Coding change: c.4429G>C on transcript NM_001267550.2 (MANE Select); coding-DNA position 4429, G replaced by C.
Protein change: p.Asp1477His; replaces aspartic acid 1477 with histidine.
Molecular consequence: missense variant. On other transcripts: non-coding transcript variant (1).
Genome position (GRCh38, 1-based): chr2:178,777,755, C>G on the plus strand (G>C on the coding strand, the complement: TTN is on the minus strand). VCF-style: chr2-178777755-C-G. GRCh37 (hg19) VCF-style: chr2-179642482-C-G.
Other names: c.4429G>C, p.Asp1477His (NM_001256850.1, NM_133378.4, NM_133379.5); c.4291G>C, p.Asp1431His (NM_003319.4, NM_133432.3, NM_133437.4); short protein forms D1477H, D1431H.
Identifiers: ClinVar variation 509659 (VCV000509659.1), dbSNP rs532313981, ClinGen allele CA2005328.

ClinVar aggregate classification (germline): Likely benign (1 of 4 stars; one submission).

Allele frequency attached by ClinVar (database versions not stated): gnomAD 0.00001; ExAC 0.00002; gnomAD exomes 0.00002; 1000 Genomes Project 30x 0.00016; 1000 Genomes Project 0.00020.
gnomAD v4.1: 7 of 1,614,002 alleles (0.00043%); highest among the groups gnomAD compares: South Asian, 0.0077%; no homozygotes.

Submission:

GeneDx
Classification: Likely benign. Last evaluated: 2017-06-05. Review status: criteria provided, single submitter. Criteria: GeneDx Variant Classification (06012015). Collection method: clinical testing. Allele origin: germline. Affected: yes.
Comment: This variant is considered likely benign or benign based on one or more of the following criteria: it is a conservative change, it occurs at a poorly conserved position in the protein, it is predicted to be benign by multiple in silico algorithms, and/or has population frequency not consistent with disease.